The following is an entry in ClinVar:

NM_000321.3(RB1):c.337A>C (p.Met113Leu)

Gene: RB1 (RB transcriptional corepressor 1; plus strand). Cytogenetic location: 13q14.2.
Variant type: single nucleotide variant.
Coding change: c.337A>C on transcript NM_000321.3 (MANE Select); coding-DNA position 337, A replaced by C.
Protein change: p.Met113Leu; replaces methionine 113 with leucine.
Molecular consequence: missense variant.
Genome position (GRCh38, 1-based): chr13:48,342,671, A>C. VCF-style: chr13-48342671-A-C. GRCh37 (hg19) VCF-style: chr13-48916807-A-C.
Other names: short protein forms M113L.
Identifiers: ClinVar variation 823685 (VCV000823685.16), dbSNP rs1593434246, ClinGen allele CA388252475.
Genomic context (GRCh38, chr13:48,342,671, plus strand): 5'-CAAAAGAAAAAGGAACTGTGGGGAATCTGTATCTTTATTGCAGCAGTTGACCTAGATGAG[A>C]TGTCGTTCACTTTTACTGAGCTACAGAAAAACATAGAAATCAGGTAAAGTTTCTTGTATA-3'
Protein context (NP_000312.2, residues 103-123): IFIAAVDLDE[Met113Leu]SFTFTELQKN

ClinVar aggregate classification (germline): Uncertain significance. Review status: criteria provided, multiple submitters, no conflicts (2 of 4 stars). 4 submissions from 4 submitters: Uncertain significance (4). Last evaluated 2024-03-06.

Conditions:
Hereditary cancer-predisposing syndrome. Also called: Neoplastic Syndromes, Hereditary; Tumor predisposition; Hereditary neoplastic syndrome; Hereditary Cancer Syndrome. Identifiers: Orphanet 140162, MedGen C0027672, MeSH D009386, MONDO:0015356.
Retinoblastoma (RB1). Also called: RETINOBLASTOMA, SOMATIC. Identifiers: Orphanet 790, MedGen C0035335, MeSH D012175, MONDO:0008380, OMIM 180200, HP:0009919. Disease mechanism: loss of function. Inheritance: Both sporadic and heritable forms are tested..

Allele frequency attached by ClinVar (database versions not stated): gnomAD exomes below 0.00001.

Submissions (4):

Color Diagnostics, LLC DBA Color Health
Classification: Uncertain significance for Retinoblastoma. Last evaluated: 2024-03-06. Review status: criteria provided, single submitter. Criteria: ACMG Guidelines, 2015. Collection method: clinical testing. Allele origin: germline.
Comment: This missense variant replaces methionine with leucine at codon 113 of the RB1 protein. Computational prediction suggests that this variant may not impact protein structure and function (internally defined REVEL score threshold <= 0.5, PMID: 27666373). To our knowledge, functional studies have not been reported for this variant. This variant has not been reported in individuals affected with RB1-related disorders in the literature. This variant has not been identified in the general population by the Genome Aggregation Database (gnomAD). The available evidence is insufficient to determine the role of this variant in disease conclusively. Therefore, this variant is classified as a Variant of Uncertain Significance.

All of Us Research Program, National Institutes of Health
Classification: Uncertain significance for Retinoblastoma. Last evaluated: 2023-07-19. Review status: criteria provided, single submitter. Criteria: ACMG Guidelines, 2015. Collection method: clinical testing. Allele origin: germline. Inheritance: Autosomal dominant inheritance. Observed: 1 variant allele, 1 heterozygote.
Comment: This missense variant replaces methionine with leucine at codon 113 of the RB1 protein. Computational prediction suggests that this variant may not impact protein structure and function (internally defined REVEL score threshold <= 0.5, PMID: 27666373). To our knowledge, functional studies have not been reported for this variant. This variant has not been reported in individuals affected with RB1-related disorders in the literature. This variant has not been identified in the general population by the Genome Aggregation Database (gnomAD). The available evidence is insufficient to determine the role of this variant in disease conclusively. Therefore, this variant is classified as a Variant of Uncertain Significance.

This study involves interpretation of variants in research participants for the purpose of population health screening. Participant phenotype was not available at the time of variant classification. Additional details can be found in publication PMID: 35346344, PMCID: PMC8962531

Ambry Genetics
Classification: Uncertain significance for Hereditary cancer-predisposing syndrome. Last evaluated: 2023-05-23. Review status: criteria provided, single submitter. Criteria: Ambry Variant Classification Scheme 2023. Collection method: clinical testing. Allele origin: germline.
Comment: The p.M113L variant (also known as c.337A>C), located in coding exon 3 of the RB1 gene, results from an A to C substitution at nucleotide position 337. The methionine at codon 113 is replaced by leucine, an amino acid with highly similar properties. This amino acid position is well conserved in available vertebrate species. In addition, the in silico prediction for this alteration is inconclusive. Since supporting evidence is limited at this time, the clinical significance of this alteration remains unclear.

Labcorp Genetics (formerly Invitae), Labcorp
Classification: Uncertain significance for Retinoblastoma. Last evaluated: 2023-04-19. Review status: criteria provided, single submitter. Criteria: Invitae Variant Classification Sherloc (09022015). Collection method: clinical testing. Allele origin: germline.
Comment: In summary, the available evidence is currently insufficient to determine the role of this variant in disease. Therefore, it has been classified as a Variant of Uncertain Significance. Advanced modeling of protein sequence and biophysical properties (such as structural, functional, and spatial information, amino acid conservation, physicochemical variation, residue mobility, and thermodynamic stability) performed at Invitae indicates that this missense variant is not expected to disrupt RB1 protein function. ClinVar contains an entry for this variant (Variation ID: 823685). This variant has not been reported in the literature in individuals affected with RB1-related conditions. This variant is not present in population databases (gnomAD no frequency). This sequence change replaces methionine, which is neutral and non-polar, with leucine, which is neutral and non-polar, at codon 113 of the RB1 protein (p.Met113Leu).